The following is an entry in ClinVar:

NM_000487.6(ARSA):c.308C>G (p.Pro103Arg)

Gene: ARSA (arylsulfatase A; minus strand). Cytogenetic location: 22q13.33.
Variant type: single nucleotide variant.
Coding change: c.308C>G on transcript NM_000487.6 (MANE Select); coding-DNA position 308, C replaced by G.
Protein change: p.Pro103Arg; replaces proline 103 with arginine.
Molecular consequence: missense variant.
Genome position (GRCh38, 1-based): chr22:50,627,323, G>C on the plus strand (C>G on the coding strand, the complement: ARSA is on the minus strand). VCF-style: chr22-50627323-G-C. GRCh37 (hg19) VCF-style: chr22-51065751-G-C.
Other names: c.50C>G, p.Pro17Arg (NM_001362782.2, NM_001085428.3); c.308C>G, p.Pro103Arg (NM_001085425.3, NM_001085426.3, NM_001085427.3); short protein forms P103R, P17R.
Identifiers: ClinVar variation 2060253 (VCV002060253.4), dbSNP rs2518334425, ClinGen allele CA412181375.

ClinVar aggregate classification (germline): Uncertain significance (1 of 4 stars; one submission).

Conditions:
Metachromatic leukodystrophy (MLD). Also called: SULFATIDE LIPIDOSIS; Cerebral sclerosis diffuse metachromatic form; Arylsulfatase A Deficiency; CEREBROSIDE SULFATASE DEFICIENCY; METACHROMATIC LEUKOENCEPHALOPATHY; ARSA DEFICIENCY. Identifiers: Orphanet 512, MedGen C0023522, MONDO:0018868, OMIM 250100.

Submission:

Labcorp Genetics (formerly Invitae), Labcorp
Classification: Uncertain significance for Metachromatic leukodystrophy. Last evaluated: 2022-10-13. Review status: criteria provided, single submitter. Criteria: Invitae Variant Classification Sherloc (09022015). Collection method: clinical testing. Allele origin: germline.
Comment: In summary, the available evidence is currently insufficient to determine the role of this variant in disease. Therefore, it has been classified as a Variant of Uncertain Significance. Advanced modeling of protein sequence and biophysical properties (such as structural, functional, and spatial information, amino acid conservation, physicochemical variation, residue mobility, and thermodynamic stability) performed at Invitae indicates that this missense variant is expected to disrupt ARSA protein function. This variant has not been reported in the literature in individuals affected with ARSA-related conditions. This variant is not present in population databases (gnomAD no frequency). This sequence change replaces proline, which is neutral and non-polar, with arginine, which is basic and polar, at codon 103 of the ARSA protein (p.Pro103Arg).